The following is an entry in ClinVar:

NM_000540.3(RYR1):c.11193+10del

Gene: RYR1 (ryanodine receptor 1; plus strand). Cytogenetic location: 19q13.2.
Variant type: Deletion.
Coding change: c.11193+10del on transcript NM_000540.3 (MANE Select); 10 bases into the intron after coding-DNA position 11193, one base deleted (T; older notation c.11193+10delT).
Molecular consequence: intron variant.
Genome position (GRCh38, 1-based): chr19:38,532,551, T deleted. VCF-style (leftmost placement, unchanged base first): chr19-38532550-CT-C. GRCh37 (hg19) VCF-style: chr19-39023190-CT-C.
Other names: c.11178+10del (NM_001042723.2).
Identifiers: ClinVar variation 700122 (VCV000700122.10), dbSNP rs758829487, ClinGen allele CA056162.

ClinVar aggregate classification (germline): Likely benign. Review status: criteria provided, single submitter (1 of 4 stars). 2 submissions from 2 submitters: Likely benign (1). 1 of the submissions does not count toward it. Last evaluated 2025-12-29.

Conditions:
RYR1-related disorder. Also called: RYR1-related condition; RYR1-related disorders. Identifiers: MedGen CN239331.

Allele frequency attached by ClinVar (database versions not stated): ExAC 0.00002; gnomAD exomes 0.00002 and 0.00003; TOPMed 0.00003; gnomAD 0.00005.

Submissions (2):

Labcorp Genetics (formerly Invitae), Labcorp
Classification: Likely benign for RYR1-related disorder. Last evaluated: 2025-12-29. Review status: criteria provided, single submitter. Criteria: Invitae Variant Classification Sherloc (09022015). Collection method: clinical testing. Allele origin: germline.

PreventionGenetics, part of Exact Sciences
Classification: Likely benign for RYR1-related condition. Last evaluated: 2022-07-15. Review status: no assertion criteria provided. Collection method: clinical testing. Allele origin: germline. Not counted in ClinVar's aggregate classification.
Comment: This variant is classified as likely benign based on ACMG/AMP sequence variant interpretation guidelines (Richards et al. 2015 PMID: 25741868, with internal and published modifications).